The following is an entry in ClinVar:

NM_014832.5(TBC1D4):c.3745C>T (p.Arg1249Trp)

Gene: TBC1D4 (TBC1 domain family member 4; minus strand). Cytogenetic location: 13q22.2.
Variant type: single nucleotide variant.
Coding change: c.3745C>T on transcript NM_014832.5 (MANE Select); coding-DNA position 3745, C replaced by T.
Protein change: p.Arg1249Trp; replaces arginine 1249 with tryptophan.
Molecular consequence: missense variant.
Genome position (GRCh38, 1-based): chr13:75,286,944, G>A on the plus strand (C>T on the coding strand, the complement: TBC1D4 is on the minus strand). VCF-style: chr13-75286944-G-A. GRCh37 (hg19) VCF-style: chr13-75861080-G-A.
Other names: c.3721C>T, p.Arg1241Trp (NM_001286658.2); c.3556C>T, p.Arg1186Trp (NM_001286659.2); short protein forms R1186W, R1241W, R1249W.
Identifiers: ClinVar variation 3355673 (VCV003355673.1).

ClinVar aggregate classification (germline): Uncertain significance (0 of 4 stars; one submission).

Conditions:
TBC1D4-related disorder. Also called: TBC1D4-related condition.

gnomAD v4.1: 237 of 1,613,850 alleles (0.015%); highest among the groups gnomAD compares: East Asian, 0.27%; 1 homozygote.

Submission:

PreventionGenetics, part of Exact Sciences
Classification: Uncertain significance for TBC1D4-related condition. Last evaluated: 2024-07-28. Review status: no assertion criteria provided. Collection method: clinical testing. Allele origin: germline.
Comment: The TBC1D4 c.3745C>T variant is predicted to result in the amino acid substitution p.Arg1249Trp. This variant was reported in an individual with type 2 diabetes (Wang et al. 2020. PubMed ID: 32266039) and in a pediatric patient with suspected monogenic diabetes (Cheon et al 2020. PubMed ID: 33031055). However, this variant is also reported in 0.24% of alleles in individuals of East Asian descent in gnomAD, which is likely too common to be a primary cause of disease. Although we suspect that this variant may be benign, at this time, the clinical significance of this variant is uncertain due to the absence of conclusive functional and genetic evidence.